The following is an entry in ClinVar:

ClinVar aggregate classification (germline): Uncertain significance (1 of 4 stars; one submission).

gnomAD v4.1: 18 of 1,614,170 alleles (0.0011%); highest among the groups gnomAD compares: East Asian, 0.029%; no homozygotes.

Submission:

Labcorp Genetics (formerly Invitae), Labcorp
Classification: Uncertain significance. Last evaluated: 2024-09-02. Review status: criteria provided, single submitter. Criteria: Invitae Variant Classification Sherloc (09022015). Collection method: clinical testing. Allele origin: germline.
Comment: This sequence change replaces valine, which is neutral and non-polar, with alanine, which is neutral and non-polar, at codon 845 of the ABCA1 protein (p.Val845Ala). This variant is present in population databases (rs541344598, gnomAD 0.05%). This variant has not been reported in the literature in individuals affected with ABCA1-related conditions. Invitae Evidence Modeling of protein sequence and biophysical properties (such as structural, functional, and spatial information, amino acid conservation, physicochemical variation, residue mobility, and thermodynamic stability) indicates that this missense variant is expected to disrupt ABCA1 protein function with a positive predictive value of 80%. In summary, the available evidence is currently insufficient to determine the role of this variant in disease. Therefore, it has been classified as a Variant of Uncertain Significance.

NM_005502.4(ABCA1):c.2534T>C (p.Val845Ala)

Gene: ABCA1 (ATP binding cassette subfamily A member 1; minus strand). Cytogenetic location: 9q31.1.
Variant type: single nucleotide variant.
Coding change: c.2534T>C on transcript NM_005502.4 (MANE Select); coding-DNA position 2534, T replaced by C.
Protein change: p.Val845Ala; replaces valine 845 with alanine.
Molecular consequence: missense variant.
Genome position (GRCh38, 1-based): chr9:104,825,691, A>G on the plus strand (T>C on the coding strand, the complement: ABCA1 is on the minus strand). VCF-style: chr9-104825691-A-G. GRCh37 (hg19) VCF-style: chr9-107587972-A-G.
Other names: short protein forms V845A.
Identifiers: ClinVar variation 3634152 (VCV003634152.2).